The following is an entry in ClinVar:

ClinVar aggregate classification (germline): Likely benign (1 of 4 stars; one submission).

Allele frequency attached by ClinVar (database versions not stated): 1000 Genomes Project 0.00240; 1000 Genomes Project 30x 0.00250; gnomAD 0.00348 and 0.00384; TOPMed 0.00384.
gnomAD v4.1: 998 of 1,288,694 alleles (0.077%); highest among the groups gnomAD compares: African/African-American, 1.2%; 2 homozygotes.

Submission:

GeneDx
Classification: Likely benign. Last evaluated: 2018-06-18. Review status: criteria provided, single submitter. Criteria: GeneDx Variant Classification (06012015). Collection method: clinical testing. Allele origin: germline. Affected: yes.
Comment: This variant is considered likely benign or benign based on one or more of the following criteria: it is a conservative change, it occurs at a poorly conserved position in the protein, it is predicted to be benign by multiple in silico algorithms, and/or has population frequency not consistent with disease.

NM_004369.4(COL6A3):c.6537+93C>T

Gene: COL6A3 (collagen type VI alpha 3 chain; minus strand). Cytogenetic location: 2q37.3.
Variant type: single nucleotide variant.
Coding change: c.6537+93C>T on transcript NM_004369.4 (MANE Select); 93 bases into the intron after coding-DNA position 6537, C replaced by T.
Molecular consequence: intron variant.
Genome position (GRCh38, 1-based): chr2:237,357,724, G>A on the plus strand (C>T on the coding strand, the complement: COL6A3 is on the minus strand). VCF-style: chr2-237357724-G-A. GRCh37 (hg19) VCF-style: chr2-238266367-G-A.
Other names: c.4716+93C>T (NM_057166.5); c.5919+93C>T (NM_057167.4).
Identifiers: ClinVar variation 679543 (VCV000679543.1), dbSNP rs138383759, ClinGen allele CA67851879.